The following is an entry in ClinVar:

ClinVar aggregate classification (germline): Benign. Review status: reviewed by expert panel (3 of 4 stars). 29 submissions from 28 submitters: Benign (1). 28 of the submissions do not count toward it. Last evaluated 2015-01-12.

Conditions:
Breast neoplasm. Also called: Neoplasm of the breast; Neoplasm of breast; Breast tumor; Breast Neoplasms. Identifiers: MedGen C1458155, MeSH D001943, MONDO:0021100, HP:0100013. Disease mechanism: gain of function.
Hereditary cancer-predisposing syndrome. Also called: Tumor predisposition; Hereditary neoplastic syndrome; Neoplastic Syndromes, Hereditary; Hereditary Cancer Syndrome. Identifiers: Orphanet 140162, MedGen C0027672, MeSH D009386, MONDO:0015356.
Ovarian cancer. Also called: OVARIAN CANCER, SOMATIC. Identifiers: Orphanet 213500, MedGen C1140680, MONDO:0008170, OMIM 167000.
Hereditary breast ovarian cancer syndrome. Also called: Hereditary breast and/or ovarian cancer syndrome; Hereditary breast and ovarian cancer syndrome; BRCA1- and BRCA2-Associated Hereditary Breast and Ovarian Cancer; Hereditary breast and ovarian cancer; Hereditary breast and ovarian cancer syndrome (HBOC); Breast and ovarian cancer. Identifiers: Orphanet 145, MedGen C0677776, MeSH D061325, MONDO:0003582. Disease mechanism: loss of function.
Fanconi anemia complementation group D1. Also called: BRCA2-Related Fanconi Anemia. Identifiers: Orphanet 319462, MedGen C1838457, MONDO:0011584, OMIM 605724.
Breast-ovarian cancer, familial, susceptibility to, 2 (BROVCA2). Also called: BRCA2 Hereditary Breast and Ovarian Cancer. Identifiers: Orphanet 145, MedGen C2675520, MONDO:0012933, OMIM 612555. Disease mechanism: loss of function.
Familial cancer of breast. Also called: BREAST CANCER, FAMILIAL; Hereditary breast cancer; hereditary breast carcinoma. Identifiers: Orphanet 227535, MedGen C0346153, MONDO:0016419, OMIM 114480. Disease mechanism: loss of function.
Malignant tumor of breast. Also called: Malignant breast neoplasm; Cancer breast. Identifiers: MedGen C0006142, MONDO:0007254. Disease mechanism: loss of function.

Allele frequency attached by ClinVar (database versions not stated): TOPMed 0.00017; gnomAD 0.00018 and 0.00062; gnomAD exomes 0.00023 and 0.00149; ExAC 0.00031; 1000 Genomes Project 30x 0.00281; 1000 Genomes Project 0.00359.
gnomAD v4.1: 2,191 of 1,614,048 alleles (0.14%); highest among the groups gnomAD compares: East Asian, 4.8%; 117 homozygotes.

Submissions 1 to 19 of 29:

Evidence-based Network for the Interpretation of Germline Mutant Alleles (ENIGMA)
Classification: Benign for Breast-ovarian cancer, familial 2. Last evaluated: 2015-01-12. Review status: reviewed by expert panel. Criteria: ENIGMA BRCA1/2 Classification Criteria (2015). Collection method: curation. Allele origin: germline.
Comment: Class 1 not pathogenic based on frequency >1% in an outbred sampleset. Frequency 0.02797 (Asian), derived from 1000 genomes (2012-04-30).

Labcorp Genetics (formerly Invitae), Labcorp
Classification: Benign for Hereditary breast ovarian cancer syndrome. Last evaluated: 2026-02-03. Review status: criteria provided, single submitter. Criteria: Invitae Variant Classification Sherloc (09022015). Collection method: clinical testing. Allele origin: germline. Not counted in ClinVar's aggregate classification.

Dasa
Classification: Benign. Last evaluated: 2025-10-28. Review status: criteria provided, single submitter. Criteria: DASA Assertion Criteria. Collection method: clinical testing. Allele origin: germline. Not counted in ClinVar's aggregate classification.
Comment: NM_000059.4(BRCA2):c.2350A>G (p.Met784Val) is a missense variant that results in the substitution of methionine with valine. Population frequency is inconsistent with a disease-causing role for this variant. Therefore, based on the currently available evidence, this variant is classified as benign.

Center for Genomic Medicine, Rigshospitalet, Copenhagen University Hospital
Classification: Benign. Last evaluated: 2025-03-04. Review status: criteria provided, single submitter. Criteria: ACMG Guidelines, 2015. Collection method: clinical testing. Allele origin: germline. Not counted in ClinVar's aggregate classification.

ARUP Laboratories, Molecular Genetics and Genomics, ARUP Laboratories
Classification: Benign. Last evaluated: 2024-12-18. Review status: criteria provided, single submitter. Criteria: ARUP Molecular Germline Variant Investigation Process 2024. Collection method: clinical testing. Allele origin: germline. Not counted in ClinVar's aggregate classification.

Mayo Clinic Laboratories, Mayo Clinic
Classification: Benign. Last evaluated: 2024-12-02. Review status: criteria provided, single submitter. Criteria: ACMG Guidelines, 2015. Collection method: clinical testing. Allele origin: germline. Observed: 2 variant alleles. Not counted in ClinVar's aggregate classification.
Comment: BA1, BP1_strong

Blueprint Genetics
Classification: Likely benign. Last evaluated: 2024-05-20. Review status: criteria provided, single submitter. Criteria: ACMG Guidelines, 2015. Collection method: clinical testing. Allele origin: germline. Not counted in ClinVar's aggregate classification.

Laboratory of Molecular Epidemiology of Birth Defects, West China Second University Hospital, Sichuan University
Classification: Benign for Ovarian cancer. Last evaluated: 2022-01-01. Review status: criteria provided, single submitter. Criteria: ACMG Guidelines, 2015. Collection method: clinical testing. Allele origin: germline. Affected: yes. Not counted in ClinVar's aggregate classification.

Genetic Services Laboratory, University of Chicago
Classification: Likely benign. Last evaluated: 2021-10-12. Review status: criteria provided, single submitter. Criteria: ACMG Guidelines, 2015. Collection method: clinical testing. Allele origin: germline. Affected: no. Not counted in ClinVar's aggregate classification.

Sema4
Classification: Benign for Hereditary cancer-predisposing syndrome. Last evaluated: 2021-02-13. Review status: criteria provided, single submitter. Criteria: Sema4 Curation Guidelines. Collection method: curation. Allele origin: germline. Not counted in ClinVar's aggregate classification.

Mendelics
Classification: Benign for Breast-ovarian cancer, familial, susceptibility to, 2. Last evaluated: 2019-05-28. Review status: criteria provided, single submitter. Criteria: Mendelics Assertion Criteria 2017. Collection method: clinical testing. Allele origin: unknown. Not counted in ClinVar's aggregate classification.

Illumina Laboratory Services, Illumina
Classification: Likely benign for Fanconi anemia complementation group D1. Last evaluated: 2017-04-27. Review status: criteria provided, single submitter. Criteria: ICSL Variant Classification Criteria 13 December 2019. Collection method: clinical testing. Allele origin: germline. Not counted in ClinVar's aggregate classification.
Comment: This variant was observed as part of a predisposition screen in an ostensibly healthy population. A literature search was performed for the gene, cDNA change, and amino acid change (where applicable). No publications were found based on this search. Allele frequency data from public databases allowed determination this variant is unlikely to cause disease. Therefore, this variant is classified as likely benign.

Illumina Laboratory Services, Illumina
Classification: Likely benign for Breast-ovarian cancer, familial, susceptibility to, 2. Last evaluated: 2017-04-27. Review status: criteria provided, single submitter. Criteria: ICSL Variant Classification Criteria 13 December 2019. Collection method: clinical testing. Allele origin: germline. Not counted in ClinVar's aggregate classification.
Comment: This variant was observed as part of a predisposition screen in an ostensibly healthy population. A literature search was performed for the gene, cDNA change, and amino acid change (where applicable). Publications were found based on this search. The evidence from the literature, in combination with allele frequency data from public databases where available, was sufficient to determine this variant is unlikely to cause disease. Therefore, this variant is classified as likely benign.

Laboratory for Molecular Medicine, Mass General Brigham Personalized Medicine
Classification: Likely benign. Last evaluated: 2016-03-28. Review status: criteria provided, single submitter. Criteria: LMM Criteria. Collection method: clinical testing. Allele origin: germline. Not counted in ClinVar's aggregate classification.
Comment: Variant identified in a genome or exome case(s) and assessed due to predicted null impact of the variant or pathogenic assertions in the literature or databases. Disclaimer: This variant has not undergone full assessment. The following are preliminary notes: ClinVar: Ben by expert panel

Color Diagnostics, LLC DBA Color Health
Classification: Benign for Hereditary cancer-predisposing syndrome. Last evaluated: 2015-10-29. Review status: criteria provided, single submitter. Criteria: ACMG Guidelines, 2015. Collection method: clinical testing. Allele origin: germline. Not counted in ClinVar's aggregate classification.

Ambry Genetics
Classification: Benign for Hereditary cancer-predisposing syndrome. Last evaluated: 2014-11-19. Review status: criteria provided, single submitter. Criteria: Ambry Variant Classification Scheme 2023. Collection method: clinical testing. Allele origin: germline. Not counted in ClinVar's aggregate classification.

GeneDx
Classification: Benign. Last evaluated: 2013-10-03. Review status: criteria provided, single submitter. Criteria: GeneDx Variant Classification (06012015). Collection method: clinical testing. Allele origin: germline. Affected: yes. Not counted in ClinVar's aggregate classification.
Comment: This variant is considered likely benign or benign based on one or more of the following criteria: it is a conservative change, it occurs at a poorly conserved position in the protein, it is predicted to be benign by multiple in silico algorithms, and/or has population frequency not consistent with disease.

Clinical and Functional Genomics Group, A.C.Camargo Cancer Center
Classification: Uncertain significance for Breast Cancer. Review status: criteria provided, single submitter. Criteria: Silva et al. (BMC Med Genet. 2014). Collection method: research. Allele origin: germline. Affected: yes. Not counted in ClinVar's aggregate classification.

BRCAlab, Lund University
Classification: Benign for Breast-ovarian cancer, familial, susceptibility to, 2. Last evaluated: 2020-03-02. Review status: no assertion criteria provided. Collection method: clinical testing. Allele origin: germline. Affected: yes. Not counted in ClinVar's aggregate classification.

NM_000059.4(BRCA2):c.2350A>G (p.Met784Val)

Gene: BRCA2 (BRCA2 DNA repair associated; plus strand). Cytogenetic location: 13q13.1.
Variant type: single nucleotide variant.
Coding change: c.2350A>G on transcript NM_000059.4 (MANE Select); coding-DNA position 2350, A replaced by G.
Protein change: p.Met784Val; replaces methionine 784 with valine.
Molecular consequence: missense variant.
Genome position (GRCh38, 1-based): chr13:32,336,705, A>G. VCF-style: chr13-32336705-A-G. GRCh37 (hg19) VCF-style: chr13-32910842-A-G.
Other names: p.M784V:ATG>GTG; 2578 A>G; 2578A>G; short protein forms M784V.
Identifiers: ClinVar variation 41544 (VCV000041544.45), dbSNP rs11571653, ClinGen allele CA015020.
Genomic context (GRCh38, chr13:32,336,705, plus strand): 5'-GAAAATGCCAGCACTCTTATTTTAACTCCTACTTCCAAGGATGTTCTGTCAAACCTAGTC[A>G]TGATTTCTAGAGGCAAAGAATCATACAAAATGTCAGACAAGCTCAAAGGTAACAATTATG-3'
Protein context (NP_000050.3, residues 774-794): TSKDVLSNLV[Met784Val]ISRGKESYKM